The following is an entry in ClinVar:

NM_001481.3(DRC4):c.547C>T (p.Arg183Ter)

Gene: DRC4 (dynein regulatory complex subunit 4; plus strand). Cytogenetic location: 16q24.3.
Variant type: single nucleotide variant.
Coding change: c.547C>T on transcript NM_001481.3 (MANE Select); coding-DNA position 547, C replaced by T.
Protein change: p.Arg183Ter; replaces arginine 183 with a stop codon.
Molecular consequence: nonsense. On other transcripts: intron variant (1).
Genome position (GRCh38, 1-based): chr16:90,035,684, C>T. VCF-style: chr16-90035684-C-T. GRCh37 (hg19) VCF-style: chr16-90102092-C-T.
Other names: c.298C>T, p.Arg100Ter (NM_001286205.2); c.472C>T, p.Arg158Ter (NM_001286209.2); c.-26-697C>T (NM_001286208.2); short protein forms R100*, R158*, R183*.
Identifiers: ClinVar variation 4783817 (VCV004783817.1).

ClinVar aggregate classification (germline): Pathogenic (1 of 4 stars; one submission).

Conditions:
Primary ciliary dyskinesia 33. Also called: CILIARY DYSKINESIA, PRIMARY, 33, WITHOUT SITUS INVERSUS. Identifiers: Orphanet 244, MedGen C4225230, MONDO:0014750, OMIM 616726.

gnomAD v4.1: 9 of 1,614,042 alleles (0.00056%); highest among the groups gnomAD compares: African/African-American, 0.0053%; no homozygotes.

Submission:

Labcorp Genetics (formerly Invitae), Labcorp
Classification: Pathogenic for Primary ciliary dyskinesia 33. Last evaluated: 2025-03-30. Review status: criteria provided, single submitter. Criteria: Invitae Variant Classification Sherloc (09022015). Collection method: clinical testing. Allele origin: germline.
Comment: This sequence change creates a premature translational stop signal (p.Arg183*) in the GAS8 gene. It is expected to result in an absent or disrupted protein product. Loss-of-function variants in GAS8 are known to be pathogenic (PMID: 26387594). This variant is present in population databases (rs748872687, gnomAD 0.008%). This premature translational stop signal has been observed in individual(s) with primary ciliary dyskinesia (PMID: 27120127). For these reasons, this variant has been classified as Pathogenic.

Literature cited by the submitters: PubMed 26387594; PubMed 27120127.